The following is an entry in ClinVar:

NM_003265.3(TLR3):c.412A>C (p.Ile138Leu)

Gene: TLR3 (toll like receptor 3; plus strand). Cytogenetic location: 4q35.1.
Variant type: single nucleotide variant.
Coding change: c.412A>C on transcript NM_003265.3 (MANE Select); coding-DNA position 412, A replaced by C.
Protein change: p.Ile138Leu; replaces isoleucine 138 with leucine.
Molecular consequence: missense variant.
Genome position (GRCh38, 1-based): chr4:186,077,031, A>C. VCF-style: chr4-186077031-A-C. GRCh37 (hg19) VCF-style: chr4-186998185-A-C.
Other names: short protein forms I138L.
Identifiers: ClinVar variation 4777042 (VCV004777042.1).

ClinVar aggregate classification (germline): Uncertain significance (1 of 4 stars; one submission).

Conditions:
Encephalopathy, acute, infection-induced (herpes-specific), susceptibility to, 1. Also called: Herpes simplex encephalitis, susceptibility to, 1. Identifiers: Orphanet 1930, MedGen C2750180, MONDO:0024563, OMIM 610551.

Submission:

Labcorp Genetics (formerly Invitae), Labcorp
Classification: Uncertain significance for Encephalopathy, acute, infection-induced (herpes-specific), susceptibility to, 1. Last evaluated: 2025-06-26. Review status: criteria provided, single submitter. Criteria: Invitae Variant Classification Sherloc (09022015). Collection method: clinical testing. Allele origin: germline.
Comment: This sequence change replaces isoleucine, which is neutral and non-polar, with leucine, which is neutral and non-polar, at codon 138 of the TLR3 protein (p.Ile138Leu). This variant is not present in population databases (gnomAD no frequency). This variant has not been reported in the literature in individuals affected with TLR3-related conditions. An algorithm developed to predict the effect of missense changes on protein structure and function (PolyPhen-2) suggests that this variant is likely to be tolerated. In summary, the available evidence is currently insufficient to determine the role of this variant in disease. Therefore, it has been classified as a Variant of Uncertain Significance.